The following is an entry in ClinVar:

ClinVar aggregate classification (germline): Uncertain significance. Review status: criteria provided, multiple submitters, no conflicts (2 of 4 stars). 2 submissions from 2 submitters: Uncertain significance (2). Last evaluated 2023-11-25.

Conditions:
Early Myoclonic Encephalopathy. Identifiers: MedGen C0270855.

Allele frequency attached by ClinVar (database versions not stated): gnomAD 0.00001; TOPMed 0.00001; gnomAD exomes 0.00002.
gnomAD v4.1: 25 of 1,603,956 alleles (0.0016%); highest among the groups gnomAD compares: Non-Finnish European, 0.002%; no homozygotes.

Submissions (2):

Labcorp Genetics (formerly Invitae), Labcorp
Classification: Uncertain significance for Early Myoclonic Encephalopathy. Last evaluated: 2023-11-25. Review status: criteria provided, single submitter. Criteria: Invitae Variant Classification Sherloc (09022015). Collection method: clinical testing. Allele origin: germline.
Comment: This sequence change replaces asparagine, which is neutral and polar, with serine, which is neutral and polar, at codon 410 of the JMJD1C protein (p.Asn410Ser). This variant is not present in population databases (gnomAD no frequency). This variant has not been reported in the literature in individuals affected with JMJD1C-related conditions. ClinVar contains an entry for this variant (Variation ID: 2325598). Advanced modeling of protein sequence and biophysical properties (such as structural, functional, and spatial information, amino acid conservation, physicochemical variation, residue mobility, and thermodynamic stability) performed at Invitae indicates that this missense variant is not expected to disrupt JMJD1C protein function with a negative predictive value of 80%. In summary, the available evidence is currently insufficient to determine the role of this variant in disease. Therefore, it has been classified as a Variant of Uncertain Significance.

Ambry Genetics
Classification: Uncertain significance. Last evaluated: 2022-11-10. Review status: criteria provided, single submitter. Criteria: Ambry Variant Classification Scheme 2023. Collection method: clinical testing. Allele origin: germline.

NM_032776.3(JMJD1C):c.1229A>G (p.Asn410Ser)

Gene: JMJD1C (jumonji domain containing 1C; minus strand). Cytogenetic location: 10q21.3.
Variant type: single nucleotide variant.
Coding change: c.1229A>G on transcript NM_032776.3 (MANE Select); coding-DNA position 1229, A replaced by G.
Protein change: p.Asn410Ser; replaces asparagine 410 with serine.
Molecular consequence: missense variant. On other transcripts: non-coding transcript variant (1).
Genome position (GRCh38, 1-based): chr10:63,214,938, T>C on the plus strand (A>G on the coding strand, the complement: JMJD1C is on the minus strand). VCF-style: chr10-63214938-T-C. GRCh37 (hg19) VCF-style: chr10-64974698-T-C.
Other names: c.683A>G, p.Asn228Ser (NM_001282948.2, NM_001318154.2); c.365A>G, p.Asn122Ser (NM_001318153.2); c.1115A>G, p.Asn372Ser (NM_001322252.2); c.572A>G, p.Asn191Ser (NM_001322254.2, NM_001322258.2); short protein forms N122S, N228S, N410S, N191S, N372S.
Identifiers: ClinVar variation 2325598 (VCV002325598.5), dbSNP rs1847807335, ClinGen allele CA377050261.